The following is an entry in ClinVar:

NM_000277.3(PAH):c.965C>G (p.Ala322Gly)

Gene: PAH (phenylalanine hydroxylase; minus strand). Cytogenetic location: 12q23.2.
Variant type: single nucleotide variant.
Coding change: c.965C>G on transcript NM_000277.3 (MANE Select); coding-DNA position 965, C replaced by G.
Protein change: p.Ala322Gly; replaces alanine 322 with glycine.
Molecular consequence: missense variant.
Genome position (GRCh38, 1-based): chr12:102,846,899, G>C on the plus strand (C>G on the coding strand, the complement: PAH is on the minus strand). VCF-style: chr12-102846899-G-C. GRCh37 (hg19) VCF-style: chr12-103240677-G-C.
Other names: c.965C>G, p.Ala322Gly (NM_001354304.2); c.965C>G (NM_000277.2); short protein forms A322G.
Identifiers: ClinVar variation 616 (VCV000000616.17), dbSNP rs62514958, ClinGen allele CA114363.

ClinVar aggregate classification (germline): Likely pathogenic. Review status: reviewed by expert panel (3 of 4 stars). 7 submissions from 7 submitters: Likely pathogenic (1). 6 of the submissions do not count toward it. Last evaluated 2019-09-27.

Conditions:
Phenylketonuria (PKU). Also called: Phenylketonuria (PKU); Phenylketonurias; OLIGOPHRENIA PHENYLPYRUVICA; FOLLING DISEASE. Identifiers: Orphanet 716, MedGen C0031485, MONDO:0009861, OMIM 261600. Disease mechanism: loss of function.
Mild non-PKU hyperphenylalanemia. Also called: HYPERPHENYLALANINEMIA, NON-PKU MILD; HPA, NON-PKU MILD. Identifiers: MedGen C2678416.

Allele frequency attached by ClinVar (database versions not stated): TOPMed 0.00002; ExAC 0.00003; gnomAD 0.00003; gnomAD exomes 0.00006.
gnomAD v4.1: 50 of 1,613,178 alleles (0.0031%); highest among the groups gnomAD compares: Non-Finnish European, 0.0017%; no homozygotes.

Submissions (7):

ClinGen PAH Variant Curation Expert Panel
Classification: Likely pathogenic for Phenylketonuria. Last evaluated: 2019-09-27. Review status: reviewed by expert panel. Criteria: ClinGen PAH ACMG Specifications v1. Collection method: curation. Allele origin: germline. Inheritance: Autosomal recessive inheritance.
Comment: The c.965C>G (p.Ala322Gly) variant in PAH has been reported in 4 individuals with mild hyperphenylalaninemia (BH4 deficiency not excluded). (PP4; PMID: 12501224). This variant has an allele frequency higher than the PAH VCEP PM2 threshold (MAF=0.00044). This variant was detected with p.R408W in 3 individuals (Pathogenic in ClinVar) and with p.R252W in 1 individual (PM3_strong; PMID: 12501224). Computational evidence supports a deleterious effect. In summary, this variant meets criteria to be classified as likely pathogenic for PAH. PAH-specific ACMG/AMP criteria applied: PP4, PM3-strong, PP3.

Labcorp Genetics (formerly Invitae), Labcorp
Classification: Pathogenic for Phenylketonuria. Last evaluated: 2025-12-09. Review status: criteria provided, single submitter. Criteria: Invitae Variant Classification Sherloc (09022015). Collection method: clinical testing. Allele origin: germline. Not counted in ClinVar's aggregate classification.
Comment: This sequence change replaces alanine, which is neutral and non-polar, with glycine, which is neutral and non-polar, at codon 322 of the PAH protein (p.Ala322Gly). This variant is present in population databases (rs62514958, gnomAD 0.04%). This missense change has been observed in individual(s) with PKU, MHP, or non-PKU HPA (PMID: 1301200, 10234516, 21871829, 27469133). In at least one individual the data is consistent with being in trans (on the opposite chromosome) from a pathogenic variant. ClinVar contains an entry for this variant (Variation ID: 616). Invitae Evidence Modeling of protein sequence and biophysical properties (such as structural, functional, and spatial information, amino acid conservation, physicochemical variation, residue mobility, and thermodynamic stability) indicates that this missense variant is not expected to disrupt PAH protein function with a negative predictive value of 80%. Experimental studies have shown that this missense change affects PAH function (PMID: 1301200, 9450897). This variant disrupts the p.Ala322 amino acid residue in PAH. Other variant(s) that disrupt this residue have been observed in individuals with PAH-related conditions (PMID: 22526846), which suggests that this may be a clinically significant amino acid residue. For these reasons, this variant has been classified as Pathogenic.

Natera, Inc.
Classification: Pathogenic for Phenylketonuria. Last evaluated: 2024-12-16. Review status: criteria provided, single submitter. Criteria: Natera Variant Classification Schema (03/2026). Collection method: clinical testing. Allele origin: germline. Not counted in ClinVar's aggregate classification.
Comment: The c.965C>G variant in PAH is a missense variant predicted to cause substitution of alanine to glycine at amino acid 322. This variant is rare in the general population with a frequency below the threshold expected for the associated phenotype(s). This variant has been observed in one or more individuals affected with the associated recessive disease, as either homozygous or compound heterozygous with a second variant (PMID: 21871829, 8444221, 10234516, 32668217). Additionally, this variant has been observed to segregate in affected family members (PMID: 21871829). A different variant at the same position has been determined to be Pathogenic or Likely Pathogenic. Computational prediction algorithms indicate this variant is likely to affect gene or protein function. Given the available evidence, this variant is classified as Pathogenic.

Laboratorio de Genetica e Diagnostico Molecular, Hospital Israelita Albert Einstein
Classification: Likely pathogenic. Last evaluated: 2021-05-21. Review status: criteria provided, single submitter. Criteria: ACMG Guidelines, 2015. Collection method: clinical testing. Allele origin: germline. Affected: yes. Not counted in ClinVar's aggregate classification.
Comment: ACMG classification criteria: PM3, PP3, PP4

Counsyl
Classification: Uncertain significance for Phenylketonuria. Last evaluated: 2018-01-23. Review status: no assertion criteria provided. Collection method: clinical testing. Allele origin: unknown. Not counted in ClinVar's aggregate classification.

OMIM
Classification: Pathogenic for HYPERPHENYLALANINEMIA, NON-PKU MILD. Last evaluated: 1992-01-01. Review status: no assertion criteria provided. Collection method: literature only. Allele origin: germline. Not counted in ClinVar's aggregate classification.

DeBelle Laboratory for Biochemical Genetics, MUHC/MCH RESEARCH INSTITUTE
No classification provided. Review status: no classification provided. Collection method: not provided. Allele origin: not provided. Not counted in ClinVar's aggregate classification.

Literature cited by the submitters: PubMed 1301200 (cited by 4 submitters); PubMed 10234516 (cited by 3 submitters); PubMed 21871829 (cited by 3 submitters); PubMed 27469133 (cited by Labcorp Genetics (formerly Invitae), Labcorp); PubMed 9450897 (cited by Labcorp Genetics (formerly Invitae), Labcorp); PubMed 22526846 (cited by Labcorp Genetics (formerly Invitae), Labcorp); PubMed 8444221 (cited by Natera, Inc.); PubMed 32668217 (cited by Natera, Inc.); PubMed 18590700 (cited by Counsyl); PubMed 17924342 (cited by Counsyl).